The following is an entry in ClinVar:

NM_015915.5(ATL1):c.862+4T>G

Gene: ATL1 (atlastin GTPase 1; plus strand). Cytogenetic location: 14q22.1.
Variant type: single nucleotide variant.
Coding change: c.862+4T>G on transcript NM_015915.5 (MANE Select); 4 bases into the intron after coding-DNA position 862, T replaced by G.
Molecular consequence: intron variant.
Genome position (GRCh38, 1-based): chr14:50,614,515, T>G. VCF-style: chr14-50614515-T-G. GRCh37 (hg19) VCF-style: chr14-51081233-T-G.
Other names: c.862+4T>G (NM_001127713.1, NM_181598.4).
Identifiers: ClinVar variation 3726588 (VCV003726588.2).
Genomic context (GRCh38, chr14:50,614,515, plus strand): 5'-TACCTCATCCTGGCTTAAAAGTAGCTACCAATCCAAACTTTGATGGAAAATTGAAAGGTT[T>G]GTGTCTTTTAATGAATATGTTTGCATCACTTAGTCTGATTATAAAAATGTCATTTTATCT-3'

ClinVar aggregate classification (germline): Uncertain significance (1 of 4 stars; one submission).

Conditions:
Hereditary spastic paraplegia 3A (SPG3A). Also called: SPASTIC PARAPLEGIA 3, AUTOSOMAL DOMINANT; FAMILIAL SPASTIC PARAPLEGIA, AUTOSOMAL DOMINANT, 1; SPG3; STRUMPELL DISEASE; Spastic Paraplegia 3A; Spastic paraplegia 3A, autosomal dominant. Identifiers: Orphanet 100984, MedGen C2931355, MONDO:0008437, OMIM 182600.

Submission:

Labcorp Genetics (formerly Invitae), Labcorp
Classification: Uncertain significance for Hereditary spastic paraplegia 3A. Last evaluated: 2024-12-04. Review status: criteria provided, single submitter. Criteria: Invitae Variant Classification Sherloc (09022015). Collection method: clinical testing. Allele origin: germline.
Comment: This sequence change falls in intron 8 of the ATL1 gene. It does not directly change the encoded amino acid sequence of the ATL1 protein. It affects a nucleotide within the consensus splice site. This variant is not present in population databases (gnomAD no frequency). This variant has not been reported in the literature in individuals affected with ATL1-related conditions. Variants that disrupt the consensus splice site are a relatively common cause of aberrant splicing (PMID: 17576681, 9536098). Algorithms developed to predict the effect of sequence changes on RNA splicing suggest that this variant is not likely to affect RNA splicing. In summary, the available evidence is currently insufficient to determine the role of this variant in disease. Therefore, it has been classified as a Variant of Uncertain Significance.

Literature cited by the submitters: PubMed 17576681; PubMed 9536098.